The following is an entry in ClinVar:

ClinVar aggregate classification (germline): Uncertain significance. Review status: criteria provided, multiple submitters, no conflicts (2 of 4 stars). 2 submissions from 2 submitters: Uncertain significance (2). Last evaluated 2024-11-15.

Conditions:
Colorectal cancer, hereditary nonpolyposis, type 7. Identifiers: Orphanet 144, MedGen C1858380, MONDO:0013725, OMIM 614385.

Allele frequency attached by ClinVar (database versions not stated): gnomAD 0.00001; gnomAD exomes 0.00001; TOPMed 0.00001.
gnomAD v4.1: 10 of 1,613,940 alleles (0.00062%); highest among the groups gnomAD compares: African/African-American, 0.0027%; no homozygotes.

Submissions (2):

Ambry Genetics
Classification: Uncertain significance. Last evaluated: 2024-11-15. Review status: criteria provided, single submitter. Criteria: Ambry Variant Classification Scheme 2023. Collection method: clinical testing. Allele origin: germline.
Comment: The p.F1291L variant (also known as c.3871T>C), located in coding exon 8 of the MLH3 gene, results from a T to C substitution at nucleotide position 3871. The phenylalanine at codon 1291 is replaced by leucine, an amino acid with highly similar properties. This amino acid position is conserved. In addition, the in silico prediction for this alteration is inconclusive. Since supporting evidence is limited at this time, the clinical significance of this alteration remains unclear.

Labcorp Genetics (formerly Invitae), Labcorp
Classification: Uncertain significance for Colorectal cancer, hereditary nonpolyposis, type 7. Last evaluated: 2022-01-11. Review status: criteria provided, single submitter. Criteria: Invitae Variant Classification Sherloc (09022015). Collection method: clinical testing. Allele origin: germline.
Comment: This variant is present in population databases (no rsID available, gnomAD 0.01%). This variant has not been reported in the literature in individuals affected with MLH3-related conditions. ClinVar contains an entry for this variant (Variation ID: 941617). Algorithms developed to predict the effect of missense changes on protein structure and function are either unavailable or do not agree on the potential impact of this missense change (SIFT: "Tolerated"; PolyPhen-2: "Probably Damaging"; Align-GVGD: "Class C0"). This sequence change replaces phenylalanine, which is neutral and non-polar, with leucine, which is neutral and non-polar, at codon 1291 of the MLH3 protein (p.Phe1291Leu). In summary, the available evidence is currently insufficient to determine the role of this variant in disease. Therefore, it has been classified as a Variant of Uncertain Significance.

NM_001040108.2(MLH3):c.3871T>C (p.Phe1291Leu)

Gene: MLH3 (mutL homolog 3; minus strand). Cytogenetic location: 14q24.3.
Variant type: single nucleotide variant.
Coding change: c.3871T>C on transcript NM_001040108.2 (MANE Select); coding-DNA position 3871, T replaced by C.
Protein change: p.Phe1291Leu; replaces phenylalanine 1291 with leucine.
Molecular consequence: missense variant.
Genome position (GRCh38, 1-based): chr14:75,030,659, A>G on the plus strand (T>C on the coding strand, the complement: MLH3 is on the minus strand). VCF-style: chr14-75030659-A-G. GRCh37 (hg19) VCF-style: chr14-75497362-A-G.
Other names: c.3799T>C, p.Phe1267Leu (NM_014381.3); short protein forms F1267L, F1291L.
Identifiers: ClinVar variation 941617 (VCV000941617.13), dbSNP rs1432917948, ClinGen allele CA390423079.